The following is an entry in ClinVar:

ClinVar aggregate classification (germline): Uncertain significance (1 of 4 stars; one submission).

Conditions:
Hereditary diffuse gastric adenocarcinoma (HDGC). Also called: DIFFUSE GASTRIC AND LOBULAR BREAST CANCER SYNDROME. Identifiers: Orphanet 26106, MedGen C1708349, MONDO:0007648, OMIM 137215.

Submission:

Labcorp Genetics (formerly Invitae), Labcorp
Classification: Uncertain significance for Hereditary diffuse gastric adenocarcinoma. Last evaluated: 2020-12-04. Review status: criteria provided, single submitter. Criteria: Invitae Variant Classification Sherloc (09022015). Collection method: clinical testing. Allele origin: germline.
Comment: In summary, the available evidence is currently insufficient to determine the role of this variant in disease. Therefore, it has been classified as a Variant of Uncertain Significance. Nucleotide substitutions within the consensus splice site are a relatively common cause of aberrant splicing (PMID: 17576681, 9536098). Algorithms developed to predict the effect of sequence changes on RNA splicing suggest that this variant may disrupt the consensus splice site, but this prediction has not been confirmed by published transcriptional studies. This variant has not been reported in the literature in individuals with CDH1-related conditions. This variant is not present in population databases (ExAC no frequency). This sequence change falls in intron 12 of the CDH1 gene. It does not directly change the encoded amino acid sequence of the CDH1 protein. It affects a nucleotide within the consensus splice site of the intron.

Literature cited by the submitters: PubMed 17576681; PubMed 9536098.

NM_004360.5(CDH1):c.1936+5G>C

Gene: CDH1 (cadherin 1; plus strand). Cytogenetic location: 16q22.1.
Variant type: single nucleotide variant.
Coding change: c.1936+5G>C on transcript NM_004360.5 (MANE Select); 5 bases into the intron after coding-DNA position 1936, G replaced by C.
Molecular consequence: intron variant.
Genome position (GRCh38, 1-based): chr16:68,822,230, G>C. VCF-style: chr16-68822230-G-C. GRCh37 (hg19) VCF-style: chr16-68856133-G-C.
Other names: c.388+5G>C (NM_001317185.2); c.-30+5G>C (NM_001317186.2); c.1753+5G>C (NM_001317184.2).
Identifiers: ClinVar variation 1490880 (VCV001490880.6), dbSNP rs1567512631, ClinGen allele CA2573152618.